The following is an entry in ClinVar:

NM_138387.4(G6PC3):c.338G>A (p.Gly113Glu)

Gene: G6PC3 (glucose-6-phosphatase catalytic subunit 3; plus strand). Cytogenetic location: 17q21.31.
Variant type: single nucleotide variant.
Coding change: c.338G>A on transcript NM_138387.4 (MANE Select); coding-DNA position 338, G replaced by A.
Protein change: p.Gly113Glu; replaces glycine 113 with glutamic acid.
Molecular consequence: missense variant. On other transcripts: 5 prime UTR variant (4).
Genome position (GRCh38, 1-based): chr17:44,074,692, G>A. VCF-style: chr17-44074692-G-A. GRCh37 (hg19) VCF-style: chr17-42152060-G-A.
Other names: c.338G>A, p.Gly113Glu (NM_001319945.2); c.-8G>A (NM_001384165.1, NM_001384166.1, NM_001384167.1 and 1 more transcripts); c.338G>A (NM_138387.3); short protein forms G113E.
Identifiers: ClinVar variation 1012906 (VCV001012906.40), dbSNP rs2050043415, ClinGen allele CA399726135.

ClinVar aggregate classification (germline): Conflicting classifications of pathogenicity. Review status: criteria provided, conflicting classifications (1 of 4 stars). 4 submissions from 4 submitters: Likely pathogenic (1); Uncertain significance (2). 1 of the submissions does not count toward it. Last evaluated 2025-09-01.

Conditions:
Autosomal recessive severe congenital neutropenia due to G6PC3 deficiency. Also called: G6PC3 Deficiency; NEUTROPENIA, SEVERE CONGENITAL, 4, AUTOSOMAL RECESSIVE. Identifiers: Orphanet 331176, MedGen C2751630, MONDO:0012930, OMIM 612541.
Inborn genetic diseases. Identifiers: MedGen C0950123, MeSH D030342.

Submissions (4):

CeGaT Center for Human Genetics Tuebingen
Classification: Likely pathogenic. Last evaluated: 2025-09-01. Review status: criteria provided, single submitter. Criteria: CeGaT Center For Human Genetics Tuebingen Variant Classification Criteria Version 2. Collection method: clinical testing. Allele origin: germline. Affected: yes. Observed: 1 variant allele.
Comment: G6PC3: PM2, PM3, PM5, PP3

Ambry Genetics
Classification: Uncertain significance for Inborn genetic diseases. Last evaluated: 2025-04-29. Review status: criteria provided, single submitter. Criteria: Ambry Variant Classification Scheme 2023. Collection method: clinical testing. Allele origin: germline.
Comment: The p.G113E variant (also known as c.338G>A), located in coding exon 3 of the G6PC3 gene, results from a G to A substitution at nucleotide position 338. The glycine at codon 113 is replaced by glutamic acid, an amino acid with similar properties. This amino acid position is conserved. In addition, this alteration is predicted to be deleterious by in silico analysis. Based on the available evidence, the clinical significance of this variant remains unclear.

Labcorp Genetics (formerly Invitae), Labcorp
Classification: Uncertain significance for Autosomal recessive severe congenital neutropenia due to G6PC3 deficiency. Last evaluated: 2025-02-26. Review status: criteria provided, single submitter. Criteria: Invitae Variant Classification Sherloc (09022015). Collection method: clinical testing. Allele origin: germline.
Comment: This sequence change replaces glycine, which is neutral and non-polar, with glutamic acid, which is acidic and polar, at codon 113 of the G6PC3 protein (p.Gly113Glu). This variant is not present in population databases (gnomAD no frequency). This variant has not been reported in the literature in individuals affected with G6PC3-related conditions. ClinVar contains an entry for this variant (Variation ID: 1012906). Invitae Evidence Modeling of protein sequence and biophysical properties (such as structural, functional, and spatial information, amino acid conservation, physicochemical variation, residue mobility, and thermodynamic stability) indicates that this missense variant is expected to disrupt G6PC3 protein function with a positive predictive value of 95%. In summary, the available evidence is currently insufficient to determine the role of this variant in disease. Therefore, it has been classified as a Variant of Uncertain Significance.

Laboratory of Immunopathology and Genetics, Medical Laboratory of Pediatric Oncology and Hematology, Central Clinical Hospital of the Medical University of Lodz
Classification: Likely pathogenic for Autosomal recessive severe congenital neutropenia due to G6PC3 deficiency. Last evaluated: 2024-12-01. Review status: no assertion criteria provided. Collection method: clinical testing. Allele origin: germline. Affected: yes. Observed: 1 variant allele. Not counted in ClinVar's aggregate classification.